The following is an entry in ClinVar:

ClinVar aggregate classification (germline): Uncertain significance (1 of 4 stars; one submission).

Conditions:
Sclerosteosis 2 (SOST2). Identifiers: Orphanet 3152, MedGen C3280402, MONDO:0013679, OMIM 614305.
Congenital myasthenic syndrome 17. Identifiers: Orphanet 590, MedGen C4225377, MONDO:0014578, OMIM 616304.
Cenani-Lenz syndactyly syndrome. Also called: SYNDACTYLY, TYPE VII; CENANI SYNDACTYLISM. Identifiers: Orphanet 3258, MedGen C1859309, MONDO:0008931, OMIM 212780.

Submission:

Labcorp Genetics (formerly Invitae), Labcorp
Classification: Uncertain significance for Cenani-Lenz syndactyly syndrome; Sclerosteosis 2; Congenital myasthenic syndrome 17. Last evaluated: 2022-07-24. Review status: criteria provided, single submitter. Criteria: Invitae Variant Classification Sherloc (09022015). Collection method: clinical testing. Allele origin: germline.
Comment: This sequence change replaces proline, which is neutral and non-polar, with leucine, which is neutral and non-polar, at codon 187 of the LRP4 protein (p.Pro187Leu). This variant is not present in population databases (gnomAD no frequency). This variant has not been reported in the literature in individuals affected with LRP4-related conditions. Algorithms developed to predict the effect of missense changes on protein structure and function (SIFT, PolyPhen-2, Align-GVGD) all suggest that this variant is likely to be tolerated. In summary, the available evidence is currently insufficient to determine the role of this variant in disease. Therefore, it has been classified as a Variant of Uncertain Significance.

NM_002334.4(LRP4):c.560C>T (p.Pro187Leu)

Gene: LRP4 (LDL receptor related protein 4; minus strand). Cytogenetic location: 11p11.2.
Variant type: single nucleotide variant.
Coding change: c.560C>T on transcript NM_002334.4 (MANE Select); coding-DNA position 560, C replaced by T.
Protein change: p.Pro187Leu; replaces proline 187 with leucine.
Molecular consequence: missense variant.
Genome position (GRCh38, 1-based): chr11:46,899,020, G>A on the plus strand (C>T on the coding strand, the complement: LRP4 is on the minus strand). VCF-style: chr11-46899020-G-A. GRCh37 (hg19) VCF-style: chr11-46920571-G-A.
Other names: short protein forms P187L.
Identifiers: ClinVar variation 1713493 (VCV001713493.3), dbSNP rs2134862345, ClinGen allele CA380289394.